The following is an entry in ClinVar:

ClinVar aggregate classification (germline): Uncertain significance (1 of 4 stars; one submission).

Conditions:
Wilms tumor 1 (WT1). Also called: Wilms tumor, somatic. Identifiers: Orphanet 654, MedGen CN033288, MONDO:0008679, OMIM 194070.

Allele frequency attached by ClinVar (database versions not stated): TOPMed below 0.00001; gnomAD 0.00001.
gnomAD v4.1: 1 of 1,209,400 alleles (0.000083%); highest among the groups gnomAD compares: Non-Finnish European, 0.00011%; no homozygotes.

Submission:

Labcorp Genetics (formerly Invitae), Labcorp
Classification: Uncertain significance for Wilms tumor 1. Last evaluated: 2025-05-05. Review status: criteria provided, single submitter. Criteria: Invitae Variant Classification Sherloc (09022015). Collection method: clinical testing. Allele origin: germline.
Comment: This sequence change replaces phenylalanine, which is neutral and non-polar, with leucine, which is neutral and non-polar, at codon 171 of the GPC3 protein (p.Phe171Leu). This variant is not present in population databases (gnomAD no frequency). This variant has not been reported in the literature in individuals affected with GPC3-related conditions. ClinVar contains an entry for this variant (Variation ID: 2187017). Invitae Evidence Modeling of protein sequence and biophysical properties (such as structural, functional, and spatial information, amino acid conservation, physicochemical variation, residue mobility, and thermodynamic stability) indicates that this missense variant is expected to disrupt GPC3 protein function with a positive predictive value of 80%. In summary, the available evidence is currently insufficient to determine the role of this variant in disease. Therefore, it has been classified as a Variant of Uncertain Significance.

NM_004484.4(GPC3):c.513T>G (p.Phe171Leu)

Gene: GPC3 (glypican 3; minus strand). Cytogenetic location: Xq26.2.
Variant type: single nucleotide variant.
Coding change: c.513T>G on transcript NM_004484.4 (MANE Select); coding-DNA position 513, T replaced by G.
Protein change: p.Phe171Leu; replaces phenylalanine 171 with leucine.
Molecular consequence: missense variant.
Genome position (GRCh38, 1-based): chrX:133,754,001, A>C on the plus strand (T>G on the coding strand, the complement: GPC3 is on the minus strand). VCF-style: chrX-133754001-A-C. GRCh37 (hg19) VCF-style: chrX-132888028-A-C.
Other names: c.513T>G, p.Phe171Leu (NM_001164617.2); c.465T>G, p.Phe155Leu (NM_001164618.2); c.351T>G, p.Phe117Leu (NM_001164619.2); short protein forms F171L, F155L, F117L.
Identifiers: ClinVar variation 2187017 (VCV002187017.4), dbSNP rs1448187765, ClinGen allele CA414706454.
Genomic context (GRCh38, chrX:133,754,001, plus strand): 5'-GGCTGAATCAGGCAGGCCTGGGTTCATTAGCTGGGTATAGATGACTGGAAACAGGCTGTC[A>C]AACAATTCATTGACCATGTCATCTACATTGATGTCAGAACCCAAGATGTAGAGAGACACA-3'
Protein context (NP_004475.1, residues 161-181): INVDDMVNEL[Phe171Leu]DSLFPVIYTQ